The following is an entry in ClinVar:

NM_019112.4(ABCA7):c.2684+5G>A

Gene: ABCA7 (ATP binding cassette subfamily A member 7; plus strand). Cytogenetic location: 19p13.3.
Variant type: single nucleotide variant.
Coding change: c.2684+5G>A on transcript NM_019112.4 (MANE Select); 5 bases into the intron after coding-DNA position 2684, G replaced by A.
Molecular consequence: intron variant.
Genome position (GRCh38, 1-based): chr19:1,051,057, G>A. VCF-style: chr19-1051057-G-A. GRCh37 (hg19) VCF-style: chr19-1051056-G-A.
Identifiers: ClinVar variation 4880912 (VCV004880912.3).
Genomic context (GRCh38, chr19:1,051,057, plus strand): 5'-GCCGCCATCCGGCCCCACCTGGGCGTCTGTCCTCAGTACAACGTGCTGTTTGACATGTGC[G>A]TCTCGGCAGGCCCAGAGTGCAGCGGTGGGAAGGGACTGGACGCCCTCTGGGACTCTGCCT-3'

ClinVar aggregate classification (germline): Uncertain significance. Review status: criteria provided, multiple submitters, no conflicts (2 of 4 stars). 2 submissions from 2 submitters: Uncertain significance (2). Last evaluated 2024-09-26.

gnomAD v4.1: 116 of 1,610,880 alleles (0.0072%); highest among the groups gnomAD compares: Non-Finnish European, 0.0089%; no homozygotes.

Submissions (2):

Dasa
Classification: Uncertain significance. Last evaluated: 2024-09-26. Review status: criteria provided, single submitter. Criteria: DASA Assertion Criteria. Collection method: clinical testing. Allele origin: germline.
Comment: NM_019112.4(ABCA7):c.2684+5G>A is a splice-region variant. This variant is rare in population databases. Computational prediction algorithms are consistent with a deleterious effect. The currently available literature and clinical evidence are not sufficient to establish a definitive association between this variant and the reported condition. Therefore, this variant is classified as a variant of uncertain significance.

Blueprint Genetics
Classification: Uncertain significance. Last evaluated: 2024-08-16. Review status: criteria provided, single submitter. Criteria: ACMG Guidelines, 2015. Collection method: clinical testing. Allele origin: germline.